The following is an entry in ClinVar:

NM_182760.4(SUMF1):c.33dup (p.Arg12fs)

Gene: SUMF1 (sulfatase modifying factor 1; minus strand). Cytogenetic location: 3p26.1.
Variant type: Duplication.
Coding change: c.33dup on transcript NM_182760.4 (MANE Select); coding-DNA position 33, one base duplicated (A; older notation c.33dupA).
Protein change: p.Arg12fs; shifts the reading frame from arginine 12.
Molecular consequence: frameshift variant.
Genome position (GRCh38, 1-based): chr3:4,467,213, T duplicated on the plus strand (A on the coding strand, the reverse complement: SUMF1 is on the minus strand). VCF-style (leftmost placement, unchanged base first): chr3-4467212-G-GT. GRCh37 (hg19) VCF-style: chr3-4508896-G-GT.
Other names: c.33dup, p.Arg12fs (NM_001164674.2, NM_001164675.2); short protein forms R12fs.
Identifiers: ClinVar variation 2743724 (VCV002743724.3), dbSNP rs2470081951, ClinGen allele CA2697550638.
Genomic context (GRCh38, chr3:4,467,212, plus strand): 5'-CCGCTCCACACAGCAGCGAGAGCAGCAGCAGCAAGAGGACGAGACCCAGCTCAGGGCAAC[G>GT]TCCACACACCAGCCCTAGTGCGGGCGCAGCCATGTTGTCCCGCGGGCCATGTGACCCGGT-3'

ClinVar aggregate classification (germline): Pathogenic (1 of 4 stars; one submission).

Conditions:
Multiple sulfatase deficiency (MSD). Also called: Mucosulfatidosis; Multiple Sulfatase Deficiency Disease; Sulfatidosis, Juvenile, Austin Type. Identifiers: Orphanet 585, MedGen C0268263, MONDO:0010088, OMIM 272200.

Submission:

Labcorp Genetics (formerly Invitae), Labcorp
Classification: Pathogenic for Multiple sulfatase deficiency. Last evaluated: 2023-07-16. Review status: criteria provided, single submitter. Criteria: Invitae Variant Classification Sherloc (09022015). Collection method: clinical testing. Allele origin: germline.
Comment: For these reasons, this variant has been classified as Pathogenic. This variant has not been reported in the literature in individuals affected with SUMF1-related conditions. This variant is not present in population databases (gnomAD no frequency). This sequence change creates a premature translational stop signal (p.Arg12Thrfs*4) in the SUMF1 gene. It is expected to result in an absent or disrupted protein product. Loss-of-function variants in SUMF1 are known to be pathogenic (PMID: 12757705, 12757706, 25885655).

Literature cited by the submitters: PubMed 12757705; PubMed 12757706; PubMed 25885655.